The following is an entry in ClinVar:

NM_000059.4(BRCA2):c.6034T>C (p.Ser2012Pro)

Gene: BRCA2 (BRCA2 DNA repair associated; plus strand). Cytogenetic location: 13q13.1.
Variant type: single nucleotide variant.
Coding change: c.6034T>C on transcript NM_000059.4 (MANE Select); coding-DNA position 6034, T replaced by C.
Protein change: p.Ser2012Pro; replaces serine 2012 with proline.
Molecular consequence: missense variant. On other transcripts: non-coding transcript variant (1), intron variant (2).
Genome position (GRCh38, 1-based): chr13:32,340,389, T>C. VCF-style: chr13-32340389-T-C. GRCh37 (hg19) VCF-style: chr13-32914526-T-C.
Other names: c.6034T>C, p.Ser2012Pro (NM_001406719.1, NM_001406720.1); c.1910-4169T>C (NM_001406721.1); c.425-4169T>C (NM_001406722.1); short protein forms S2012P.
Identifiers: ClinVar variation 2920723 (VCV002920723.1), dbSNP rs2548532411, ClinGen allele CA387787802.

ClinVar aggregate classification (germline): Likely benign (1 of 4 stars; one submission).

Conditions:
Familial cancer of breast. Also called: Hereditary breast cancer; BREAST CANCER, FAMILIAL; hereditary breast carcinoma. Identifiers: Orphanet 227535, MedGen C0346153, MONDO:0016419, OMIM 114480. Disease mechanism: loss of function.

Submission:

MGZ Medical Genetics Center
Classification: Likely benign for Familial cancer of breast. Last evaluated: 2024-02-09. Review status: criteria provided, single submitter. Criteria: CSpec BRCA1/2ACMG Rules Specifications V1.1.0. Collection method: clinical testing. Allele origin: germline. Affected: yes.
Comment: ACMG codes applied following ENIGMA VCEP rules: BP1_STR, PM2_SUP